The following is an entry in ClinVar:

ClinVar aggregate classification (germline): Uncertain significance (1 of 4 stars; one submission).

Conditions:
Myopathy, centronuclear, 2 (CNM2). Also called: MYOTUBULAR MYOPATHY, AUTOSOMAL RECESSIVE. Identifiers: Orphanet 169186, MedGen CN031787, MONDO:0009709, OMIM 255200.

Submission:

Labcorp Genetics (formerly Invitae), Labcorp
Classification: Uncertain significance for Myopathy, centronuclear, 2. Last evaluated: 2025-02-28. Review status: criteria provided, single submitter. Criteria: Invitae Variant Classification Sherloc (09022015). Collection method: clinical testing. Allele origin: germline.
Comment: This sequence change falls in intron 8 of the BIN1 gene. It does not directly change the encoded amino acid sequence of the BIN1 protein. Information on the frequency of this variant in the gnomAD database is not available, as this variant may be reported differently in the database. This variant has not been reported in the literature in individuals affected with BIN1-related conditions. Experimental studies and prediction algorithms are not available or were not evaluated, and the effect of this variant on mRNA splicing is currently unknown. In summary, the available evidence is currently insufficient to determine the role of this variant in disease. Therefore, it has been classified as a Variant of Uncertain Significance.

NM_139343.3(BIN1):c.698+11_698+12delinsTT

Gene: BIN1 (bridging integrator 1; minus strand). Cytogenetic location: 2q14.3.
Variant type: Indel.
Coding change: c.698+11_698+12delinsTT on transcript NM_139343.3 (MANE Select); bases 11 to 12 of the intron after coding-DNA position 698, GC replaced by TT.
Molecular consequence: intron variant.
Genome position (GRCh38, 1-based): chr2:127,063,921-127,063,922, GC replaced by AA on the plus strand (GC replaced by TT on the coding strand, the reverse complement: BIN1 is on the minus strand). VCF-style: chr2-127063921-GC-AA. GRCh37 (hg19) VCF-style: chr2-127821497-GC-AA.
Other names: c.605+11_605+12delinsTT (NM_004305.4, NM_139346.3, NM_139351.3 and 6 more transcripts); c.698+11_698+12delinsTT (NM_001320633.2, NM_139345.3, NM_139344.3 and 1 more transcripts); c.617+11_617+12delinsTT (NM_001320642.1); c.533+11_533+12delinsTT (NM_001320634.1).
Identifiers: ClinVar variation 4707235 (VCV004707235.1).